The following is an entry in ClinVar:

ClinVar aggregate classification (germline): Pathogenic. Review status: reviewed by expert panel (3 of 4 stars). 3 submissions from 3 submitters: Pathogenic (1). 2 of the submissions do not count toward it. Last evaluated 2020-06-26.

Conditions:
Phenylketonuria (PKU). Also called: Phenylketonuria (PKU); Phenylketonurias; OLIGOPHRENIA PHENYLPYRUVICA; FOLLING DISEASE. Identifiers: Orphanet 716, MedGen C0031485, MONDO:0009861, OMIM 261600. Disease mechanism: loss of function.

Submissions (3):

ClinGen PAH Variant Curation Expert Panel
Classification: Pathogenic for Phenylketonuria. Last evaluated: 2020-06-26. Review status: reviewed by expert panel. Criteria: ClinGen PAH ACMG Specifications v1. Collection method: curation. Allele origin: germline. Inheritance: Autosomal recessive inheritance.
Comment: The c.1129delT (p.Tyr377Thrfs) variant in PAH has been reported in an Icelandic PKU cohort. (PP4; PMID: 9450182). This variant is absent from gnomAD (PM2). It is a frameshift variant in exon 11 of 13 in PAH, predicted to undergo nonsense mediated decay with the truncated region critical to protein function (PVS1). In summary, this variant meets criteria to be classified as pathogenic for PAH. PAH-specific ACMG/AMP criteria applied: PVS1, PM2, PP4.

OMIM
Classification: Pathogenic for PHENYLKETONURIA. Last evaluated: 1997-11-01. Review status: no assertion criteria provided. Collection method: literature only. Allele origin: germline. Not counted in ClinVar's aggregate classification.

DeBelle Laboratory for Biochemical Genetics, MUHC/MCH RESEARCH INSTITUTE
No classification provided. Review status: no classification provided. Collection method: not provided. Allele origin: not provided. Not counted in ClinVar's aggregate classification.

Literature cited by the submitters: PubMed 9450182 (cited by ClinGen PAH Variant Curation Expert Panel and OMIM).

NM_000277.3(PAH):c.1129del (p.Tyr377fs)

Gene: PAH (phenylalanine hydroxylase; minus strand). Cytogenetic location: 12q23.2.
Variant type: Deletion.
Coding change: c.1129del on transcript NM_000277.3 (MANE Select); coding-DNA position 1129, one base deleted (T; older notation c.1129delT).
Protein change: p.Tyr377fs; shifts the reading frame from tyrosine 377.
Molecular consequence: frameshift variant.
Genome position (GRCh38, 1-based): chr12:102,843,716, A deleted on the plus strand (T on the coding strand, the reverse complement: PAH is on the minus strand); the first of 2 consecutive A bases (chr12:102,843,716-102,843,717); deleting either gives the same sequence. VCF-style (leftmost placement, unchanged base first): chr12-102843715-TA-T. GRCh37 (hg19) VCF-style: chr12-103237493-TA-T.
Other names: c.1129del, p.Tyr377fs (NM_001354304.2); short protein forms Y377fs.
Identifiers: ClinVar variation 634 (VCV000000634.83), dbSNP rs62642941, ClinGen allele CA229356.